The following is an entry in ClinVar:

ClinVar aggregate classification (germline): Uncertain significance. Review status: criteria provided, multiple submitters, no conflicts (2 of 4 stars). 2 submissions from 2 submitters: Uncertain significance (2). Last evaluated 2025-11-08.

Conditions:
Inborn genetic diseases. Identifiers: MedGen C0950123, MeSH D030342.

Allele frequency attached by ClinVar (database versions not stated): TOPMed below 0.00001; gnomAD 0.00001; ExAC 0.00002; gnomAD exomes 0.00002.

Submissions (2):

Ambry Genetics
Classification: Uncertain significance for Inborn genetic diseases. Last evaluated: 2025-11-08. Review status: criteria provided, single submitter. Criteria: Ambry Variant Classification Scheme 2023. Collection method: clinical testing. Allele origin: germline.

Labcorp Genetics (formerly Invitae), Labcorp
Classification: Uncertain significance. Last evaluated: 2025-07-14. Review status: criteria provided, single submitter. Criteria: Invitae Variant Classification Sherloc (09022015). Collection method: clinical testing. Allele origin: germline.
Comment: This sequence change replaces arginine, which is basic and polar, with histidine, which is basic and polar, at codon 1285 of the PCNT protein (p.Arg1285His). This variant is present in population databases (rs749730475, gnomAD 0.004%). This variant has not been reported in the literature in individuals affected with PCNT-related conditions. ClinVar contains an entry for this variant (Variation ID: 1501729). An algorithm developed to predict the effect of missense changes on protein structure and function outputs the following: PolyPhen-2: "Possibly Damaging". The histidine amino acid residue is found in multiple mammalian species, which suggests that this missense change does not adversely affect protein function. In summary, the available evidence is currently insufficient to determine the role of this variant in disease. Therefore, it has been classified as a Variant of Uncertain Significance.

NM_006031.6(PCNT):c.3854G>A (p.Arg1285His)

Gene: PCNT (pericentrin; plus strand). Cytogenetic location: 21q22.3.
Variant type: single nucleotide variant.
Coding change: c.3854G>A on transcript NM_006031.6 (MANE Select); coding-DNA position 3854, G replaced by A.
Protein change: p.Arg1285His; replaces arginine 1285 with histidine.
Molecular consequence: missense variant.
Genome position (GRCh38, 1-based): chr21:46,390,683, G>A. VCF-style: chr21-46390683-G-A. GRCh37 (hg19) VCF-style: chr21-47810598-G-A.
Other names: c.3854G>A (NM_006031.5); c.3500G>A, p.Arg1167His (NM_001315529.2); short protein forms R1285H, R1167H.
Identifiers: ClinVar variation 1501729 (VCV001501729.5), dbSNP rs749730475, ClinGen allele CA10079478.